The following is an entry in ClinVar:

NM_033022.4(RPS24):c.47G>C (p.Arg16Pro)

Gene: RPS24 (ribosomal protein S24; plus strand). Cytogenetic location: 10q22.3.
Variant type: single nucleotide variant.
Coding change: c.47G>C on transcript NM_033022.4 (MANE Select); coding-DNA position 47, G replaced by C.
Protein change: p.Arg16Pro; replaces arginine 16 with proline.
Molecular consequence: missense variant.
Genome position (GRCh38, 1-based): chr10:78,035,395, G>C. VCF-style: chr10-78035395-G-C. GRCh37 (hg19) VCF-style: chr10-79795153-G-C.
Other names: c.47G>C, p.Arg16Pro (NM_001026.5, NM_001142282.2, NM_001142283.2 and 2 more transcripts); short protein forms R16P.
Identifiers: ClinVar variation 1484305 (VCV001484305.8), dbSNP rs199524789, ClinGen allele CA377327726.
Genomic context (GRCh38, chr10:78,035,395, plus strand): 5'-AGTGTTTATGTTTTCAGAACGACACCGTAACTATCCGCACTAGAAAGTTCATGACCAACC[G>C]ACTACTTCAGAGGAAACAAATGGTAAGGAAGGGCACATCAATCTTTGCTTAATTGTCCTT-3'
Protein context (NP_148982.1, residues 6-26): TIRTRKFMTN[Arg16Pro]LLQRKQMVID

ClinVar aggregate classification (germline): Uncertain significance (1 of 4 stars; one submission).

Conditions:
Diamond-Blackfan anemia. Also called: Blackfan Diamond syndrome; Aregenerative anemia chronic congenital; Red cell aplasia, pure hereditary; Congenital hypoplastic anemia; Aase syndrome. Identifiers: Orphanet 124, MedGen C1260899, MeSH D029503, MONDO:0015253, HP:0004810.

Submission:

Labcorp Genetics (formerly Invitae), Labcorp
Classification: Uncertain significance for Diamond-Blackfan anemia. Last evaluated: 2024-04-16. Review status: criteria provided, single submitter. Criteria: Invitae Variant Classification Sherloc (09022015). Collection method: clinical testing. Allele origin: germline.
Comment: This sequence change replaces arginine, which is basic and polar, with proline, which is neutral and non-polar, at codon 16 of the RPS24 protein (p.Arg16Pro). This variant is not present in population databases (gnomAD no frequency). This variant has not been reported in the literature in individuals affected with RPS24-related conditions. ClinVar contains an entry for this variant (Variation ID: 1484305). An algorithm developed to predict the effect of missense changes on protein structure and function (PolyPhen-2) suggests that this variant is likely to be tolerated. In summary, the available evidence is currently insufficient to determine the role of this variant in disease. Therefore, it has been classified as a Variant of Uncertain Significance.